The following is an entry in ClinVar:

ClinVar aggregate classification (germline): Benign/Likely benign. Review status: criteria provided, multiple submitters, no conflicts (2 of 4 stars). 14 submissions from 14 submitters: Benign (11); Likely benign (1). 2 of the submissions do not count toward it. Last evaluated 2026-02-04.

Conditions:
Renal cell carcinoma. Identifiers: Orphanet 217071, MedGen C0007134, MeSH D002292, MONDO:0005086, HP:0005584.
Papillary renal cell carcinoma type 1 (RCCP1). Also called: RENAL CELL CARCINOMA, PAPILLARY, 1, SOMATIC; Renal adenocarcinoma; Renal cell carcinoma 1; Renal cell carcinoma, somatic. Identifiers: Orphanet 47044, MedGen C1336839, OMIM 605074, HP:0011797.
Hereditary cancer-predisposing syndrome. Also called: Neoplastic Syndromes, Hereditary; Hereditary Cancer Syndrome; Tumor predisposition; Hereditary neoplastic syndrome. Identifiers: Orphanet 140162, MedGen C0027672, MeSH D009386, MONDO:0015356.

Allele frequency attached by ClinVar (database versions not stated): TOPMed 0.16213; gnomAD 0.16754 and 0.17015; ESP Exome Variant Server 0.16871; gnomAD exomes 0.18249 and 0.19066; 1000 Genomes Project 30x 0.18426; ExAC 0.18781; 1000 Genomes Project 0.18790.
gnomAD v4.1: 304,310 of 1,612,994 alleles (19%); highest among the groups gnomAD compares: East Asian, 27%; 29,894 homozygotes.

Submissions (14):

Labcorp Genetics (formerly Invitae), Labcorp
Classification: Benign for Renal cell carcinoma. Last evaluated: 2026-02-04. Review status: criteria provided, single submitter. Criteria: Invitae Variant Classification Sherloc (09022015). Collection method: clinical testing. Allele origin: germline.

Blueprint Genetics
Classification: Likely benign. Last evaluated: 2024-11-27. Review status: criteria provided, single submitter. Criteria: ACMG Guidelines, 2015. Collection method: clinical testing. Allele origin: germline.

Myriad Genetics, Inc.
Classification: Benign for Papillary renal cell carcinoma type 1. Last evaluated: 2024-11-08. Review status: criteria provided, single submitter. Criteria: Myriad Autosomal Dominant, Autosomal Recessive and X-Linked Classification Criteria (2023). Collection method: clinical testing. Allele origin: unknown.
Comment: This variant is considered benign. This variant is a silent/synonymous amino acid change and it is not expected to impact splicing.

KCCC/NGS Laboratory, Kuwait Cancer Control Center
Classification: Benign for Papillary renal cell carcinoma type 1. Last evaluated: 2023-07-07. Review status: criteria provided, single submitter. Criteria: ACMG Guidelines, 2015. Collection method: clinical testing. Allele origin: germline. Affected: yes.

Mayo Clinic Laboratories, Mayo Clinic
Classification: Benign. Last evaluated: 2022-02-18. Review status: criteria provided, single submitter. Criteria: ACMG Guidelines, 2015. Collection method: clinical testing. Allele origin: germline. Observed: 132 variant alleles.

Illumina Laboratory Services, Illumina
Classification: Benign for Papillary renal cell carcinoma type 1. Last evaluated: 2018-01-13. Review status: criteria provided, single submitter. Criteria: ICSL Variant Classification Criteria 13 December 2019. Collection method: clinical testing. Allele origin: germline.
Comment: This variant was observed in the ICSL laboratory as part of a predisposition screen in an ostensibly healthy population. It had not been previously curated by ICSL or reported in the Human Gene Mutation Database (HGMD: prior to June 1st, 2018), and was therefore a candidate for classification through an automated scoring system. Utilizing variant allele frequency, disease prevalence and penetrance estimates, and inheritance mode, an automated score was calculated to assess if this variant is too frequent to cause the disease. Based on the score and internal cut-off values, a variant classified as benign is not then subjected to further curation. The score for this variant resulted in a classification of benign for this disease.

Women's Health and Genetics/Laboratory Corporation of America, LabCorp
Classification: Benign. Last evaluated: 2016-08-18. Review status: criteria provided, single submitter. Criteria: LabCorp Variant Classification Summary - May 2015. Collection method: clinical testing. Allele origin: germline.
Comment: Variant summary: The MET c.1944A>G (p.Gln648Gln) variant causes a synonymous change involving a non-conserved nucleotide with 5/5 splice prediction tools predicting no significant impact on splicing. The variant of interest was observed in the large, broad control population, ExAC, with an allele frequency of 22638/120534 (1/5, 2318 homozygotes), which significantly exceeds the estimated maximal expected allele frequency for a pathogenic MET variant of 1/666666, suggesting this variant is likely a benign polymorphism. Multiple reputable clinical laboratories have cited the variant as "benign." Therefore, the variant of interest has been classified as Benign.

GeneDx
Classification: Benign. Last evaluated: 2016-02-09. Review status: criteria provided, single submitter. Criteria: GeneDx Variant Classification (06012015). Collection method: clinical testing. Allele origin: germline. Affected: yes.
Comment: This variant is considered likely benign or benign based on one or more of the following criteria: it is a conservative change, it occurs at a poorly conserved position in the protein, it is predicted to be benign by multiple in silico algorithms, and/or has population frequency not consistent with disease.

Ambry Genetics
Classification: Benign for Hereditary cancer-predisposing syndrome. Last evaluated: 2014-10-24. Review status: criteria provided, single submitter. Criteria: Ambry Variant Classification Scheme 2023. Collection method: clinical testing. Allele origin: germline.

Eurofins Ntd Llc (ga)
Classification: Benign. Last evaluated: 2013-07-12. Review status: criteria provided, single submitter. Criteria: EGL Classification Definitions 2015. Collection method: clinical testing. Allele origin: germline. Observed: 25 variant alleles, 23 heterozygotes, 2 homozygotes.

Breakthrough Genomics
Classification: Benign. Review status: criteria provided, single submitter. Criteria: ACMG Guidelines, 2015. Collection method: not provided. Allele origin: germline. Inheritance: Autosomal recessive inheritance. Affected: yes.

PreventionGenetics, part of Exact Sciences
Classification: Benign. Review status: criteria provided, single submitter. Criteria: ACMG Guidelines, 2015. Collection method: clinical testing. Allele origin: germline.

Clinical Genetics, Academic Medical Center
Classification: Benign. Review status: no assertion criteria provided. Collection method: clinical testing. Allele origin: germline. Affected: yes. Study: VKGL Data-share Consensus. Not counted in ClinVar's aggregate classification.

Joint Genome Diagnostic Labs from Nijmegen and Maastricht, Radboudumc and MUMC+
Classification: Benign. Review status: no assertion criteria provided. Collection method: clinical testing. Allele origin: germline. Affected: yes. Study: VKGL Data-share Consensus. Not counted in ClinVar's aggregate classification.

NM_000245.4(MET):c.1944A>G (p.Gln648=)

Gene: MET (MET proto-oncogene, receptor tyrosine kinase; plus strand). Cytogenetic location: 7q31.2.
Variant type: single nucleotide variant.
Coding change: c.1944A>G on transcript NM_000245.4 (MANE Select); coding-DNA position 1944, A replaced by G.
Protein change: p.Gln648=; no amino-acid change (glutamine 648 retained).
Molecular consequence: synonymous variant.
Genome position (GRCh38, 1-based): chr7:116,757,518, A>G. VCF-style: chr7-116757518-A-G. GRCh37 (hg19) VCF-style: chr7-116397572-A-G.
Other names: p.Gln648=; c.1944A>G, p.Gln648= (NM_001127500.3, NM_001324401.3); c.654A>G, p.Gln218= (NM_001324402.2); c.1944A>G (NM_001127500.2).
Identifiers: ClinVar variation 93569 (VCV000093569.33), dbSNP rs13223756, ClinGen allele CA147083.